The following is an entry in ClinVar:

ClinVar aggregate classification (germline): Uncertain significance (1 of 4 stars; one submission).

gnomAD v4.1: 1 of 1,614,128 alleles (0.000062%); highest among the groups gnomAD compares: Non-Finnish European, 0.000085%; no homozygotes.

Submission:

Women's Health and Genetics/Laboratory Corporation of America, LabCorp
Classification: Uncertain significance. Last evaluated: 2024-01-16. Review status: criteria provided, single submitter. Criteria: LabCorp Variant Classification Summary - May 2015. Collection method: clinical testing. Allele origin: germline.
Comment: Variant summary: ARHGAP31 c.3343A>G (p.Ile1115Val) results in a conservative amino acid change in the encoded protein sequence. Five of five in-silico tools predict a benign effect of the variant on protein function. The variant was absent in 249348 control chromosomes. The available data on variant occurrences in the general population are insufficient to allow any conclusion about variant significance. To our knowledge, no occurrence of c.3343A>G in individuals affected with Adams-Oliver Syndrome 1 and no experimental evidence demonstrating its impact on protein function have been reported. No submitters have cited clinical-significance assessments for this variant to ClinVar. Based on the evidence outlined above, the variant was classified as uncertain significance.

NM_020754.4(ARHGAP31):c.3343A>G (p.Ile1115Val)

Gene: ARHGAP31 (Rho GTPase activating protein 31; plus strand). Cytogenetic location: 3q13.33.
Variant type: single nucleotide variant.
Coding change: c.3343A>G on transcript NM_020754.4 (MANE Select); coding-DNA position 3343, A replaced by G.
Protein change: p.Ile1115Val; replaces isoleucine 1115 with valine.
Molecular consequence: missense variant.
Genome position (GRCh38, 1-based): chr3:119,415,272, A>G. VCF-style: chr3-119415272-A-G. GRCh37 (hg19) VCF-style: chr3-119134119-A-G.
Other names: short protein forms I1115V.
Identifiers: ClinVar variation 3063952 (VCV003063952.1), dbSNP rs12107254, ClinGen allele CA354058117.